The following is an entry in ClinVar:

ClinVar aggregate classification (germline): Uncertain significance (1 of 4 stars; one submission).

Conditions:
Combined immunodeficiency due to DOCK8 deficiency (HIES2). Also called: DOCK8 Deficiency; HIES autosomal recessive; Hyper-IgE recurrent infection syndrome, autosomal recessive; HYPER-IgE RECURRENT INFECTION SYNDROME 2, AUTOSOMAL RECESSIVE; HYPER-IgE SYNDROME 2, AUTOSOMAL RECESSIVE, WITH RECURRENT INFECTIONS. Identifiers: Orphanet 217390, MedGen C4722305, MONDO:0009478, OMIM 243700.

Submission:

Labcorp Genetics (formerly Invitae), Labcorp
Classification: Uncertain significance for Hyper-Immunoglobulin E Syndrome, Autosomal Recessive. Last evaluated: 2019-12-30. Review status: criteria provided, single submitter. Criteria: Invitae Variant Classification Sherloc (09022015). Collection method: clinical testing. Allele origin: germline.
Comment: This variant results in a copy number gain of the genomic region encompassing exons 34-48 of the DOCK8 gene. The 5' boundary is likely confined to intron 33. The 3' end of this event is unknown as it extends beyond the assayed region for this gene and therefore may encompass additional genes. As the precise location of this event is unknown, it may be in tandem or it may be located elsewhere in the genome. This variant has not been reported in the literature in individuals with DOCK8-related conditions. In summary, the available evidence is currently insufficient to determine the role of this variant in disease. Therefore, it has been classified as a Variant of Uncertain Significance.

NC_000009.12:g.(?_426865)_(464239_?)dup

Gene: DOCK8 (dedicator of cytokinesis 8; plus strand). Cytogenetic location: 9p24.3.
Variant type: Duplication.
Identifiers: ClinVar variation 833157 (VCV000833157.1).